The following is an entry in ClinVar:

ClinVar aggregate classification (germline): Conflicting classifications of pathogenicity. Review status: criteria provided, conflicting classifications (1 of 4 stars). 3 submissions from 3 submitters: Pathogenic (1); Uncertain significance (2). Last evaluated 2024-01-15.

Conditions:
Charcot-Marie-Tooth disease type 2. Also called: Charcot-Marie-Tooth type 2. Identifiers: Orphanet 64746, MedGen C0270914, MONDO:0018993.

Submissions (3):

Labcorp Genetics (formerly Invitae), Labcorp
Classification: Pathogenic for Charcot-Marie-Tooth disease type 2. Last evaluated: 2024-01-15. Review status: criteria provided, single submitter. Criteria: Invitae Variant Classification Sherloc (09022015). Collection method: clinical testing. Allele origin: germline.
Comment: This sequence change replaces lysine, which is basic and polar, with glutamic acid, which is acidic and polar, at codon 120 of the MFN2 protein (p.Lys120Glu). This variant is not present in population databases (gnomAD no frequency). This missense change has been observed in individuals with clinical features of Charcot-Marie-Tooth disease (PMID: 26801520; Invitae). It has also been observed to segregate with disease in related individuals. ClinVar contains an entry for this variant (Variation ID: 2430747). Advanced modeling of protein sequence and biophysical properties (such as structural, functional, and spatial information, amino acid conservation, physicochemical variation, residue mobility, and thermodynamic stability) performed at Invitae indicates that this missense variant is expected to disrupt MFN2 protein function with a positive predictive value of 95%. For these reasons, this variant has been classified as Pathogenic.

CeGaT Center for Human Genetics Tuebingen
Classification: Uncertain significance. Last evaluated: 2023-02-01. Review status: criteria provided, single submitter. Criteria: CeGaT Center For Human Genetics Tuebingen Variant Classification Criteria Version 2. Collection method: clinical testing. Allele origin: germline. Affected: yes. Observed: 1 variant allele.
Comment: MFN2: PM2, PS4:Moderate, PP3

GeneDx
Classification: Uncertain significance. Last evaluated: 2022-08-22. Review status: criteria provided, single submitter. Criteria: GeneDx Variant Classification Process June 2021. Collection method: clinical testing. Allele origin: germline. Affected: yes.
Comment: Reported maternally inherited in two twins with Charcot Marie Tooth disease type 2 from an unaffected mother (Xie Y et al. 2016); Not observed at significant frequency in large population cohorts (gnomAD); In silico analysis supports that this missense variant has a deleterious effect on protein structure/function; This variant is associated with the following publications: (PMID: 24863639, 26801520)

Literature cited by the submitters: PubMed 26801520 (cited by Labcorp Genetics (formerly Invitae), Labcorp).

NM_014874.4(MFN2):c.358A>G (p.Lys120Glu)

Gene: MFN2 (mitofusin 2; plus strand). Cytogenetic location: 1p36.22.
Variant type: single nucleotide variant.
Coding change: c.358A>G on transcript NM_014874.4 (MANE Select); coding-DNA position 358, A replaced by G.
Protein change: p.Lys120Glu; replaces lysine 120 with glutamic acid.
Molecular consequence: missense variant.
Genome position (GRCh38, 1-based): chr1:11,996,202, A>G. VCF-style: chr1-11996202-A-G. GRCh37 (hg19) VCF-style: chr1-12056259-A-G.
Other names: c.358A>G, p.Lys120Glu (NM_001127660.2); short protein forms K120E.
Identifiers: ClinVar variation 2430747 (VCV002430747.32), dbSNP rs2523010703, ClinGen allele CA338434260.